The following is an entry in ClinVar:

ClinVar aggregate classification (germline): Pathogenic. Review status: criteria provided, single submitter (1 of 4 stars). 2 submissions from 2 submitters: Pathogenic (1). 1 of the submissions does not count toward it. Last evaluated 2025-01-09.

Conditions:
Autosomal recessive nonsyndromic hearing loss 9. Also called: NEUROSENSORY NONSYNDROMIC RECESSIVE DEAFNESS 9; OTOF-Related Hearing Loss; Deafness, autosomal recessive 9; AUDITORY NEUROPATHY, AUTOSOMAL RECESSIVE, 1, TEMPERATURE-SENSITIVE. Identifiers: Orphanet 90636, MedGen C1832828, MONDO:0010986, OMIM 601071.

Submissions (2):

Institute of Rare Diseases, West China Hospital, Sichuan University
Classification: Pathogenic for Autosomal recessive nonsyndromic hearing loss 9. Last evaluated: 2025-01-09. Review status: criteria provided, single submitter. Criteria: ClinGen HL ACMG Specifications v1. Collection method: research. Allele origin: germline. Affected: yes.
Comment: PVS1;PM3_Strong;PM2_Supporting

Diagnosis and Treatment Center of Genetic Hearing Loss, Eye & ENT Hospital of Fudan University
Classification: Pathogenic for Autosomal recessive nonsyndromic hearing loss 9. Last evaluated: 2026-02-04. Review status: no assertion criteria provided. Collection method: clinical testing. Allele origin: germline. Inheritance: Autosomal recessive inheritance. Affected: yes. Not counted in ClinVar's aggregate classification.
Comment: The c.2467dup frameshift variant in OTOF leads to a premature stop codon and predicted NMD (PVS1). It is absent from population databases (PM2_Supporting). It was found in trans with pathogenic c.2867-5_2881del (PM3).

NM_194248.3(OTOF):c.2467dup (p.Asp823fs)

Gene: OTOF (otoferlin; minus strand). Cytogenetic location: 2p23.3.
Variant type: Duplication.
Coding change: c.2467dup on transcript NM_194248.3 (MANE Select); coding-DNA position 2467, one base duplicated (G; older notation c.2467dupG).
Protein change: p.Asp823fs; shifts the reading frame from aspartic acid 823.
Molecular consequence: frameshift variant.
Genome position (GRCh38, 1-based): chr2:26,477,228, C duplicated on the plus strand (G on the coding strand, the reverse complement: OTOF is on the minus strand); the first of 3 consecutive C bases (chr2:26,477,228-26,477,230); duplicating any one gives the same sequence. VCF-style (leftmost placement, unchanged base first): chr2-26477227-T-TC. GRCh37 (hg19) VCF-style: chr2-26700095-T-TC.
Other names: c.2467dup, p.Asp823fs (NM_001287489.2); c.226dup, p.Asp76fs (NM_004802.4, NM_194323.3); c.397dup, p.Asp133fs (NM_194322.3); short protein forms D133fs, D76fs, D823fs.
Identifiers: ClinVar variation 3601531 (VCV003601531.2).